The following is an entry in ClinVar:

ClinVar aggregate classification (germline): Uncertain significance. Review status: criteria provided, multiple submitters, no conflicts (2 of 4 stars). 3 submissions from 3 submitters: Uncertain significance (3). Last evaluated 2024-12-11.

Conditions:
Atypical hemolytic-uremic syndrome with C3 anomaly. Also called: AHUS, SUSCEPTIBILITY TO, 5. Identifiers: Orphanet 2134, MedGen C2752037, MONDO:0013043, OMIM 612925.
Age related macular degeneration 9. Identifiers: MedGen C1969651, MONDO:0012659, OMIM 611378.
Complement component 3 deficiency. Identifiers: Orphanet 280133, MedGen C3151071, MONDO:0013417, OMIM 613779.
Inborn genetic diseases. Identifiers: MedGen C0950123, MeSH D030342.

Allele frequency attached by ClinVar (database versions not stated): gnomAD 0.00001; gnomAD exomes 0.00001 and 0.00002; TOPMed 0.00001; ExAC 0.00002.
gnomAD v4.1: 15 of 1,614,054 alleles (0.00093%); highest among the groups gnomAD compares: Middle Eastern, 0.033%; no homozygotes.

Submissions (3):

Ambry Genetics
Classification: Uncertain significance for Inborn genetic diseases. Last evaluated: 2024-12-11. Review status: criteria provided, single submitter. Criteria: Ambry Variant Classification Scheme 2023. Collection method: clinical testing. Allele origin: germline.

Labcorp Genetics (formerly Invitae), Labcorp
Classification: Uncertain significance. Last evaluated: 2024-10-31. Review status: criteria provided, single submitter. Criteria: Invitae Variant Classification Sherloc (09022015). Collection method: clinical testing. Allele origin: germline.
Comment: This sequence change replaces valine, which is neutral and non-polar, with methionine, which is neutral and non-polar, at codon 1253 of the C3 protein (p.Val1253Met). The frequency data for this variant in the population databases is considered unreliable, as metrics indicate poor data quality at this position in the gnomAD database. This variant has not been reported in the literature in individuals affected with C3-related conditions. ClinVar contains an entry for this variant (Variation ID: 1058771). Invitae Evidence Modeling of protein sequence and biophysical properties (such as structural, functional, and spatial information, amino acid conservation, physicochemical variation, residue mobility, and thermodynamic stability) indicates that this missense variant is not expected to disrupt C3 protein function with a negative predictive value of 80%. In summary, the available evidence is currently insufficient to determine the role of this variant in disease. Therefore, it has been classified as a Variant of Uncertain Significance.

Fulgent Genetics
Classification: Uncertain significance for Age related macular degeneration 9; Atypical hemolytic-uremic syndrome with C3 anomaly; Complement component 3 deficiency. Last evaluated: 2022-04-21. Review status: criteria provided, single submitter. Criteria: ACMG Guidelines, 2015. Collection method: clinical testing. Allele origin: unknown.

NM_000064.4(C3):c.3757G>A (p.Val1253Met)

Gene: C3 (complement C3; minus strand). Cytogenetic location: 19p13.3.
Variant type: single nucleotide variant.
Coding change: c.3757G>A on transcript NM_000064.4 (MANE Select); coding-DNA position 3757, G replaced by A.
Protein change: p.Val1253Met; replaces valine 1253 with methionine.
Molecular consequence: missense variant.
Genome position (GRCh38, 1-based): chr19:6,686,177, C>T on the plus strand (G>A on the coding strand, the complement: C3 is on the minus strand). VCF-style: chr19-6686177-C-T. GRCh37 (hg19) VCF-style: chr19-6686188-C-T.
Other names: c.3757G>A (NM_000064.2); short protein forms V1253M.
Identifiers: ClinVar variation 1058771 (VCV001058771.11), dbSNP rs769164285, ClinGen allele CA9128643.